The following is an entry in ClinVar:

ClinVar aggregate classification (germline): Likely pathogenic (1 of 4 stars; one submission).

Submission:

Quest Diagnostics Nichols Institute San Juan Capistrano
Classification: Likely pathogenic. Last evaluated: 2025-04-23. Review status: criteria provided, single submitter. Criteria: ACMG/ClinGen CNV Guidelines, 2019. Collection method: clinical testing. Allele origin: unknown.
Comment: This deletion involves multiple exons of an intragenic portion of NRXN1 (OMIM 600565; transcript NM_001135659.3). Haploinsufficiency of NRXN1 has been associated with complex neurodevelopmental disorder (CCID:007578) (Benitez-Burraco 2023, Castronovo 2020, Cosemans 2020, Dabell 2013, Fuccillo 2021, Haviland 2023, Sahoo 2011). Some deletions were inherited from clinically unaffected parents, suggesting reduced penetrance or variable expressivity (Al Shehhi 2019, Guo 2025). It is suggested exonic deletions effecting only the alpha transcript of NRXN1 (5’ portion of gene) are seen at a higher frequency in individuals with neurodevelopmental phenotypes (Lowther 2017, Guo 2025, Montalbano 2024). There are partially overlapping losses reported in the general populations in the Database of Genomic Variants. Therefore, this copy number variant (CNV) is interpreted as likely pathogenic with incomplete penetrance and variable expressivity. References: Al Shehhi et al. Eur J Med Genet 2019;62(3):204-209. PMID: 30031152 Benitez-Burraco et al., Mol Syndromol. 2023 Jan;13(6):496-510. PMID: 36660026 Castronovo et al. Clin Genet. 2020 97:125–137. PMID: 30873608 Cosemans et al. J Med Genet 2020;57(5):347-355. PMID: 31932357 Dabell et al., Am J Med Genet A. 2013 Apr;161A(4):717-31. PMID: 23495017 Fuccillo and Pak. Curr Opin Genet Dev. 2021;68:64-70. PMID: 33756113 Guo et al., Epilepsia. 2025 Mar 24. PMID: 40126490 Haviland et al., Pediatr Neurol. 2023 Jan:138:71-80. PMID: 36403551 Lowther et al. Genet Med. 2017;19(1):53-61. PMID: 27195815 Montalbano et al., NPJ Genom Med. 2024 Dec 19;9(1):67. PMID: 39695155 Sahoo et al., Genet Med. 2011 Oct;13(10):868-80. PMID: 21792059

GRCh37/hg19 2p16.3(chr2:50770542-50996165)x1

Gene: NRXN1 (neurexin 1; minus strand). Cytogenetic location: 2p16.3.
Variant type: copy number loss.
Change: copy number 1 (one copy instead of two) of chr2:50,770,542-50,996,165 (225.6 kb, GRCh37 coordinates, 1-based), cytogenetic band 2p16.3.
Identifiers: ClinVar variation 4682539 (VCV004682539.1).